The following is an entry in ClinVar:

ClinVar aggregate classification (germline): Benign/Likely benign. Review status: criteria provided, multiple submitters, no conflicts (2 of 4 stars). 2 submissions from 2 submitters: Benign (1); Likely benign (1). Last evaluated 2023-04-07.

Conditions:
Developmental and epileptic encephalopathy, 8 (DEE8). Also called: HYPEREKPLEXIA AND EPILEPSY. Identifiers: Orphanet 163985, Orphanet 2076, MedGen C1845102, MONDO:0010375, OMIM 300607.

Allele frequency attached by ClinVar (database versions not stated): ExAC 0.00001; gnomAD exomes 0.00001 and 0.00003.
gnomAD v4.1: 5 of 1,210,089 alleles (0.00041%); highest among the groups gnomAD compares: South Asian, 0.0071%; no homozygotes.

Submissions (2):

Labcorp Genetics (formerly Invitae), Labcorp
Classification: Benign for Developmental and epileptic encephalopathy, 8. Last evaluated: 2023-04-07. Review status: criteria provided, single submitter. Criteria: Invitae Variant Classification Sherloc (09022015). Collection method: clinical testing. Allele origin: germline.

GeneDx
Classification: Likely benign. Last evaluated: 2016-10-11. Review status: criteria provided, single submitter. Criteria: GeneDx Variant Classification (06012015). Collection method: clinical testing. Allele origin: germline. Affected: yes.
Comment: This variant is considered likely benign or benign based on one or more of the following criteria: it is a conservative change, it occurs at a poorly conserved position in the protein, it is predicted to be benign by multiple in silico algorithms, and/or has population frequency not consistent with disease.

NM_001353921.2(ARHGEF9):c.564A>T (p.Gly188=)

Gene: ARHGEF9 (Cdc42 guanine nucleotide exchange factor 9; minus strand). Cytogenetic location: Xq11.1.
Variant type: single nucleotide variant.
Coding change: c.564A>T on transcript NM_001353921.2 (MANE Select); coding-DNA position 564, A replaced by T.
Protein change: p.Gly188=; no amino-acid change (glycine 188 retained).
Molecular consequence: synonymous variant.
Genome position (GRCh38, 1-based): chrX:63,697,143, T>A on the plus strand (A>T on the coding strand, the complement: ARHGEF9 is on the minus strand). VCF-style: chrX-63697143-T-A. GRCh37 (hg19) VCF-style: chrX-62917023-T-A.
Other names: c.564A>T, p.Gly188= (NM_001353922.2); c.582A>T, p.Gly194= (NM_001353923.1); c.363A>T, p.Gly121= (NM_001353924.2, NM_001353926.2, NM_001369039.1 and 1 more transcripts); c.480A>T, p.Gly160= (NM_001353927.2, NM_001369033.1, NM_001369034.1 and 8 more transcripts); c.543A>T, p.Gly181= (NM_001353928.2, NM_001369030.1, NM_001369031.1 and 2 more transcripts); c.237A>T, p.Gly79= (NM_001369042.1, NM_001173480.2); c.129A>T, p.Gly43= (NM_001369045.1); c.384A>T, p.Gly128= (NM_001173479.2).
Identifiers: ClinVar variation 389944 (VCV000389944.4), dbSNP rs782187939, ClinGen allele CA10431932.
Genomic context (GRCh38, chrX:63,697,143, plus strand): 5'-TAACACCTCTCAAAACCCTCCCCAAATGGATAAGATACTTACGTGCTCTAGGAAGCAGGG[T>A]CCTATCTCGCTGAGGTGGGGGTCATCATTGTTATACTGTTTCTCCAGGTCTCTCACAAAG-3'
Protein context (NP_001340850.1, residues 178-198): NNDDPHLSEI[Gly188=]PCFLEHQDGF